The following is an entry in ClinVar:

ClinVar aggregate classification (germline): Uncertain significance (1 of 4 stars; one submission).

Conditions:
Parathyroid carcinoma (PRTC). Also called: CDC73-Related Parathyroid Carcinoma; Parathyroid gland carcinoma. Identifiers: Orphanet 143, MedGen C0687150, MONDO:0012004, OMIM 608266, HP:0006780.

Submission:

Labcorp Genetics (formerly Invitae), Labcorp
Classification: Uncertain significance for Parathyroid carcinoma. Last evaluated: 2026-01-15. Review status: criteria provided, single submitter. Criteria: Invitae Variant Classification Sherloc (09022015). Collection method: clinical testing. Allele origin: germline.
Comment: This sequence change replaces glutamine, which is neutral and polar, with histidine, which is basic and polar, at codon 411 of the CDC73 protein (p.Gln411His). This variant is not present in population databases (gnomAD no frequency). This variant has not been reported in the literature in individuals affected with CDC73-related conditions. Invitae Evidence Modeling of protein sequence and biophysical properties (such as structural, functional, and spatial information, amino acid conservation, physicochemical variation, residue mobility, and thermodynamic stability) indicates that this missense variant is not expected to disrupt CDC73 protein function with a negative predictive value of 80%. In summary, the available evidence is currently insufficient to determine the role of this variant in disease. Therefore, it has been classified as a Variant of Uncertain Significance.

NM_024529.5(CDC73):c.1233G>T (p.Gln411His)

Gene: CDC73 (cell division cycle 73; plus strand). Cytogenetic location: 1q31.2.
Variant type: single nucleotide variant.
Coding change: c.1233G>T on transcript NM_024529.5 (MANE Select); coding-DNA position 1233, G replaced by T.
Protein change: p.Gln411His; replaces glutamine 411 with histidine.
Molecular consequence: missense variant.
Genome position (GRCh38, 1-based): chr1:193,233,071, G>T. VCF-style: chr1-193233071-G-T. GRCh37 (hg19) VCF-style: chr1-193202201-G-T.
Other names: short protein forms Q411H.
Identifiers: ClinVar variation 4738111 (VCV004738111.1).